The following is an entry in ClinVar:

ClinVar aggregate classification (germline): Conflicting classifications of pathogenicity. Review status: criteria provided, conflicting classifications (1 of 4 stars). 5 submissions from 5 submitters: Pathogenic (3); Likely pathogenic (1); Uncertain significance (1). Last evaluated 2025-08-20.

Conditions:
AVPR2-related disorder. Also called: AVPR2-related condition.
Diabetes insipidus, nephrogenic, X-linked. Also called: Nephrogenic Diabetes Insipidus, Type I. Identifiers: Orphanet 223, MedGen C1563705, MONDO:0010581, OMIM 304800.

Submissions (5):

Pediatrics, West China Second University Hospital, Sichuan University
Classification: Likely pathogenic for Diabetes insipidus, nephrogenic, X-linked. Last evaluated: 2025-08-20. Review status: criteria provided, single submitter. Criteria: ACMG Guidelines, 2015. Collection method: clinical testing. Allele origin: germline. Affected: yes.
Comment: The NM_000054.7, c.316C>T, is a missense variant in AVPR2 which is predicted to result in a substitution from Arginine to Cysteine at position 316. This variant was a denovo variant, found in a proband with diabetes insipidus, nephrogenic, which is a highly specific phenotype for nephrogenic diabetes insipidus (PS2_Moderate). This interpretation is supported by previous reports of the variant in two patients with diabetes insipidus (PS4; PMID:8037205, 10770218, 11916004, 25324589, 25902753, 30073107, 30976394). The variant is absent from the gnomAD population database or extreme low frequency (PM2_Supporting), and multiple in silico prediction tools suggest a deleterious effect on protein function (PP3). In vivo/in vitro functional experiments suggest mutations that may lead to impaired gene function. According to literature reports, this mutation significantly reduces the accumulation of cAMP (PS3_Supporting, PMID:11916004). This variant is co-segregated in the family. According to literature reports, this variant was detected in multiple patients of a family with renal diabetes insipidus. (PP1_Strong, PMID:11916004). In summary, this variant meets criteria to be classified as likely pathogenic for diabetes insipidus, nephrogenic based on the ACMG/AMP criteria applied with the evidence: PS2_Moderate, PM2_Supporting, PS4, PP3, PS3_Supporting, PP1_Strong.

Blueprint Genetics
Classification: Pathogenic for AVPR2-related disorders. Last evaluated: 2024-11-25. Review status: criteria provided, single submitter. Criteria: ACMG Guidelines, 2015. Collection method: clinical testing. Allele origin: germline. Affected: yes. Observed: 2 variant alleles.

Labcorp Genetics (formerly Invitae), Labcorp
Classification: Pathogenic. Last evaluated: 2024-08-02. Review status: criteria provided, single submitter. Criteria: Invitae Variant Classification Sherloc (09022015). Collection method: clinical testing. Allele origin: germline.
Comment: This sequence change replaces arginine, which is basic and polar, with cysteine, which is neutral and slightly polar, at codon 106 of the AVPR2 protein (p.Arg106Cys). This variant is not present in population databases (gnomAD no frequency). This missense change has been observed in individuals with nephrogenic diabetes insipidus (PMID: 8037205, 10770218, 11916004, 30073107). It has also been observed to segregate with disease in related individuals. This variant is also known as C>T at 387. ClinVar contains an entry for this variant (Variation ID: 1687191). Advanced modeling of protein sequence and biophysical properties (such as structural, functional, and spatial information, amino acid conservation, physicochemical variation, residue mobility, and thermodynamic stability) performed at Invitae indicates that this missense variant is not expected to disrupt AVPR2 protein function with a negative predictive value of 80%. Experimental studies have shown that this missense change affects AVPR2 function (PMID: 10770218). For these reasons, this variant has been classified as Pathogenic.

GeneDx
Classification: Pathogenic. Last evaluated: 2023-06-04. Review status: criteria provided, single submitter. Criteria: GeneDx Variant Classification Process June 2021. Collection method: clinical testing. Allele origin: germline. Affected: yes.
Comment: Published functional studies demonstrate a damaging effect on adenyl cyclase activity (Chen et al., 2002; Pasel et al., 2000); In silico analysis supports that this missense variant has a deleterious effect on protein structure/function; Not observed at significant frequency in large population cohorts (gnomAD); This variant is associated with the following publications: (PMID: 30073107, 10770218, 11916004, 8037205, 24790307, 30976394, 22644838, 18726898, 32073219, 15841479, 22386940, 35002068, 17020465, 9853256, 25324589)

3billion
Classification: Uncertain significance for Diabetes insipidus, nephrogenic, X-linked. Last evaluated: 2022-05-22. Review status: criteria provided, single submitter. Criteria: ACMG Guidelines, 2015. Collection method: clinical testing. Allele origin: germline. Affected: yes. Observed: 1 hemizygote.
Comment: The variant is not observed in the gnomAD v2.1.1 dataset. In silico tool predictions suggest no damaging effect of the variant on gene or gene product (REVEL: 0.29; 3Cnet: 0.02). Same nucleotide change resulting in same amino acid change has been previously reported to be associated with AVPR2 related disorder (PMID: 8037205). However, the evidence of pathogenicity is insufficient at this time. Therefore, this variant is classified as uncertain significanceaccording to the recommendation of ACMG/AMP guideline.

Literature cited by the submitters: PubMed 8037205 (cited by Labcorp Genetics (formerly Invitae), Labcorp and 3billion); PubMed 10770218 (cited by Labcorp Genetics (formerly Invitae), Labcorp); PubMed 11916004 (cited by Labcorp Genetics (formerly Invitae), Labcorp); PubMed 30073107 (cited by Labcorp Genetics (formerly Invitae), Labcorp).

NM_000054.7(AVPR2):c.316C>T (p.Arg106Cys)

Gene: AVPR2 (arginine vasopressin receptor 2; plus strand). Cytogenetic location: Xq28.
Variant type: single nucleotide variant.
Coding change: c.316C>T on transcript NM_000054.7 (MANE Select); coding-DNA position 316, C replaced by T.
Protein change: p.Arg106Cys; replaces arginine 106 with cysteine.
Molecular consequence: missense variant.
Genome position (GRCh38, 1-based): chrX:153,905,822, C>T. VCF-style: chrX-153905822-C-T. GRCh37 (hg19) VCF-style: chrX-153171276-C-T.
Other names: c.316C>T (NM_000054.4); c.316C>T, p.Arg106Cys (NM_001146151.3); short protein forms R106C.
Identifiers: ClinVar variation 1687191 (VCV001687191.7), dbSNP rs2148514430, ClinGen allele CA415105065.